The following is an entry in ClinVar:

NM_001038603.3(MARVELD2):c.949C>T (p.Arg317Ter)

Gene: MARVELD2 (MARVEL domain containing 2; plus strand). Cytogenetic location: 5q13.2.
Variant type: single nucleotide variant.
Coding change: c.949C>T on transcript NM_001038603.3 (MANE Select); coding-DNA position 949, C replaced by T.
Protein change: p.Arg317Ter; replaces arginine 317 with a stop codon.
Molecular consequence: nonsense.
Genome position (GRCh38, 1-based): chr5:69,420,334, C>T. VCF-style: chr5-69420334-C-T. GRCh37 (hg19) VCF-style: chr5-68716161-C-T.
Other names: c.949C>T, p.Arg317Ter (NM_001244734.2); c.949C>T (NM_001038603.2); short protein forms R317*.
Identifiers: ClinVar variation 2970042 (VCV002970042.7), dbSNP rs144499910, ClinGen allele CA3294144.

ClinVar aggregate classification (germline): Pathogenic/Likely pathogenic. Review status: criteria provided, multiple submitters, no conflicts (2 of 4 stars). 4 submissions from 4 submitters: Pathogenic (1); Likely pathogenic (3). Last evaluated 2026-02-28.

Conditions:
MARVELD2-related disorders.
Autosomal recessive nonsyndromic hearing loss 49. Also called: Deafness, neurosensory, autosomal recessive 49. Identifiers: Orphanet 90636, MedGen C1857811, MONDO:0012420, OMIM 610153.

Allele frequency attached by ClinVar (database versions not stated): ESP Exome Variant Server 0.00015.
gnomAD v4.1: 74 of 1,614,154 alleles (0.0046%); highest among the groups gnomAD compares: Non-Finnish European, 0.006%; no homozygotes.

Submissions (4):

GeneDx
Classification: Likely pathogenic. Last evaluated: 2026-02-28. Review status: criteria provided, single submitter. Criteria: GeneDx Variant Classification Process June 2021. Collection method: clinical testing. Allele origin: germline.
Comment: Nonsense variant predicted to result in protein truncation or nonsense mediated decay in a gene for which loss of function is a known mechanism of disease; Not observed at significant frequency in large population cohorts (gnomAD); Has not been previously published as pathogenic or benign to our knowledge

Blueprint Genetics
Classification: Likely pathogenic for MARVELD2-related disorders. Last evaluated: 2024-07-01. Review status: criteria provided, single submitter. Criteria: ACMG Guidelines, 2015. Collection method: clinical testing. Allele origin: germline. Affected: yes. Observed: 2 variant alleles.

Labcorp Genetics (formerly Invitae), Labcorp
Classification: Pathogenic. Last evaluated: 2024-01-29. Review status: criteria provided, single submitter. Criteria: Invitae Variant Classification Sherloc (09022015). Collection method: clinical testing. Allele origin: germline.
Comment: This sequence change creates a premature translational stop signal (p.Arg317*) in the MARVELD2 gene. It is expected to result in an absent or disrupted protein product. Loss-of-function variants in MARVELD2 are known to be pathogenic (PMID: 17186462). This variant is present in population databases (rs144499910, gnomAD 0.006%). This variant has not been reported in the literature in individuals affected with MARVELD2-related conditions. For these reasons, this variant has been classified as Pathogenic.

Juno Genomics, Hangzhou Juno Genomics, Inc
Classification: Likely pathogenic for Autosomal recessive nonsyndromic hearing loss 49. Review status: criteria provided, single submitter. Criteria: ACMG Guidelines, 2015. Collection method: clinical testing. Allele origin: germline.
Comment: Null variant in a gene where loss of function (LOF) is a known mechanism of disease.;Absent from controls (or at extremely low frequency if recessive) in Genome Aggregation Database.

Literature cited by the submitters: PubMed 17186462 (cited by Labcorp Genetics (formerly Invitae), Labcorp).